The following is an entry in ClinVar:

NM_000038.6(APC):c.4520G>C (p.Ser1507Thr)

Gene: APC (APC regulator of Wnt signaling pathway; plus strand). Cytogenetic location: 5q22.2.
Variant type: single nucleotide variant.
Coding change: c.4520G>C on transcript NM_000038.6 (MANE Select); coding-DNA position 4520, G replaced by C.
Protein change: p.Ser1507Thr; replaces serine 1507 with threonine.
Molecular consequence: missense variant. On other transcripts: non-coding transcript variant (2).
Genome position (GRCh38, 1-based): chr5:112,840,114, G>C. VCF-style: chr5-112840114-G-C. GRCh37 (hg19) VCF-style: chr5-112175811-G-C.
Other names: c.4520G>C, p.Ser1507Thr (NM_001127510.3, NM_001354895.2, NM_001407450.1); c.4466G>C, p.Ser1489Thr (NM_001127511.3); c.4574G>C, p.Ser1525Thr (NM_001354896.2, NM_001407447.1, NM_001407448.1 and 1 more transcripts); c.4550G>C, p.Ser1517Thr (NM_001354897.2); c.4445G>C, p.Ser1482Thr (NM_001354898.2); c.4436G>C, p.Ser1479Thr (NM_001354899.2); c.4397G>C, p.Ser1466Thr (NM_001354900.2); c.4343G>C, p.Ser1448Thr (NM_001354901.2, NM_001407453.1); and 11 more; short protein forms S1482T, S1507T, S1424T, S1500T, S1535T, S1224T, S1448T, S1497T.
Identifiers: ClinVar variation 2769004 (VCV002769004.3), dbSNP rs1427083768, ClinGen allele CA16031222.

ClinVar aggregate classification (germline): Uncertain significance (1 of 4 stars; one submission).

Conditions:
Familial adenomatous polyposis 1 (FAP1). Also called: POLYPOSIS, ADENOMATOUS INTESTINAL; FAMILIAL ADENOMATOUS POLYPOSIS 1, ATTENUATED. Identifiers: MedGen C2713442, MONDO:0021056, OMIM 175100. Disease mechanism: loss of function.

Allele frequency attached by ClinVar (database versions not stated): gnomAD exomes below 0.00001; gnomAD 0.00001.
gnomAD v4.1: 8 of 1,614,020 alleles (0.0005%); highest among the groups gnomAD compares: South Asian, 0.0077%; no homozygotes.

Submission:

Labcorp Genetics (formerly Invitae), Labcorp
Classification: Uncertain significance for Familial adenomatous polyposis 1. Last evaluated: 2023-10-16. Review status: criteria provided, single submitter. Criteria: Invitae Variant Classification Sherloc (09022015). Collection method: clinical testing. Allele origin: germline.
Comment: This sequence change replaces serine, which is neutral and polar, with threonine, which is neutral and polar, at codon 1507 of the APC protein (p.Ser1507Thr). This variant is present in population databases (no rsID available, gnomAD 0.003%). This variant has not been reported in the literature in individuals affected with APC-related conditions. Advanced modeling of protein sequence and biophysical properties (such as structural, functional, and spatial information, amino acid conservation, physicochemical variation, residue mobility, and thermodynamic stability) performed at Invitae indicates that this missense variant is not expected to disrupt APC protein function. In summary, the available evidence is currently insufficient to determine the role of this variant in disease. Therefore, it has been classified as a Variant of Uncertain Significance.